The following is an entry in ClinVar:

ClinVar aggregate classification (germline): Uncertain significance (1 of 4 stars; one submission).

Conditions:
Cystic fibrosis (CF). Also called: MUCOVISCIDOSIS. Identifiers: Orphanet 586, MedGen C0010674, MONDO:0009061, OMIM 219700. Disease mechanism: loss of function.

Submission:

Ambry Genetics
Classification: Uncertain significance for Cystic fibrosis. Last evaluated: 2024-06-28. Review status: criteria provided, single submitter. Criteria: Ambry Variant Classification Scheme 2023. Collection method: clinical testing. Allele origin: germline.
Comment: The p.R658S variant (also known as c.1974A>C), located in coding exon 14 of the CFTR gene, results from an A to C substitution at nucleotide position 1974. The arginine at codon 658 is replaced by serine, an amino acid with dissimilar properties. This amino acid position is conserved. In addition, this alteration is predicted to be deleterious by in silico analysis. Based on the available evidence, the clinical significance of this variant remains unclear.

NM_000492.4(CFTR):c.1974A>C (p.Arg658Ser)

Gene: CFTR (CF transmembrane conductance regulator; plus strand). Cytogenetic location: 7q31.2.
Variant type: single nucleotide variant.
Coding change: c.1974A>C on transcript NM_000492.4 (MANE Select); coding-DNA position 1974, A replaced by C.
Protein change: p.Arg658Ser; replaces arginine 658 with serine.
Molecular consequence: missense variant.
Genome position (GRCh38, 1-based): chr7:117,592,141, A>C. VCF-style: chr7-117592141-A-C. GRCh37 (hg19) VCF-style: chr7-117232195-A-C.
Other names: short protein forms R658S.
Identifiers: ClinVar variation 3491621 (VCV003491621.1).